The following is an entry in ClinVar:

ClinVar aggregate classification (germline): Uncertain significance (1 of 4 stars; one submission).

Allele frequency attached by ClinVar (database versions not stated): gnomAD exomes below 0.00001; TOPMed below 0.00001; gnomAD 0.00001.
gnomAD v4.1: 3 of 1,613,858 alleles (0.00019%); highest among the groups gnomAD compares: Admixed American, 0.0017%; no homozygotes.

Submission:

GeneDx
Classification: Uncertain significance. Last evaluated: 2020-06-10. Review status: criteria provided, single submitter. Criteria: GeneDx Variant Classification Process June 2021. Collection method: clinical testing. Allele origin: germline. Affected: yes.
Comment: Not observed at a significant frequency in large population cohorts (Lek et al., 2016); Canonical splice site variant with an unclear effect on protein function; Has not been previously published as pathogenic or benign to our knowledge

NM_000037.4(ANK1):c.*36+1G>A

Gene: ANK1 (ankyrin 1; minus strand). Cytogenetic location: 8p11.21.
Variant type: single nucleotide variant.
Coding change: c.*36+1G>A on transcript NM_000037.4 (MANE Select); the canonical splice donor site of the intron after 36 bases downstream of the stop codon, G replaced by A.
Molecular consequence: splice donor variant. On other transcripts: intron variant (6).
Genome position (GRCh38, 1-based): chr8:41,661,429, C>T on the plus strand (G>A on the coding strand, the complement: ANK1 is on the minus strand). VCF-style: chr8-41661429-C-T. GRCh37 (hg19) VCF-style: chr8-41518947-C-T.
Other names: c.5667+447G>A (NM_001142446.2); c.5133+372G>A (NM_020477.3); c.5544+447G>A (NM_020475.3); c.5619+372G>A (NM_020476.3); c.303+2230G>A (NM_020480.5); c.*36+1G>A (NM_020478.5); c.444+372G>A (NM_001142445.2).
Identifiers: ClinVar variation 1308857 (VCV001308857.2), dbSNP rs1301645470, ClinGen allele CA460531142.